The following is an entry in ClinVar:

ClinVar aggregate classification (germline): Benign. Review status: criteria provided, multiple submitters, no conflicts (2 of 4 stars). 5 submissions from 5 submitters: Benign (5). Last evaluated 2026-02-04.

Conditions:
Retinitis pigmentosa (RP). Identifiers: Orphanet 791, MedGen C0035334, MeSH D012174, MONDO:0019200, OMIM 268000. Inheritance: Autosomal dominant, autosomal recessive and X linked inheritance.
Retinitis pigmentosa 45 (RP45). Identifiers: Orphanet 791, MedGen C3151066, MONDO:0013413, OMIM 613767.

Allele frequency attached by ClinVar (database versions not stated): gnomAD 0.49394 and 0.49292; 1000 Genomes Project 0.49401; ESP Exome Variant Server 0.48296; TOPMed 0.48595; 1000 Genomes Project 30x 0.48954; gnomAD exomes 0.49507; ExAC 0.50799.
gnomAD v4.1: 815,582 of 1,605,190 alleles (51%); highest among the groups gnomAD compares: East Asian, 57%; 208,177 homozygotes.

Submissions (5):

Labcorp Genetics (formerly Invitae), Labcorp
Classification: Benign. Last evaluated: 2026-02-04. Review status: criteria provided, single submitter. Criteria: Invitae Variant Classification Sherloc (09022015). Collection method: clinical testing. Allele origin: germline.

Genome-Nilou Lab
Classification: Benign for Retinitis pigmentosa 45. Last evaluated: 2021-07-22. Review status: criteria provided, single submitter. Criteria: ACMG Guidelines, 2015. Collection method: clinical testing. Allele origin: germline. Affected: no.

Illumina Laboratory Services, Illumina
Classification: Benign for Retinitis pigmentosa. Last evaluated: 2018-01-12. Review status: criteria provided, single submitter. Criteria: ICSL Variant Classification Criteria 13 December 2019. Collection method: clinical testing. Allele origin: germline.
Comment: This variant was observed in the ICSL laboratory as part of a predisposition screen in an ostensibly healthy population. It had not been previously curated by ICSL or reported in the Human Gene Mutation Database (HGMD: prior to June 1st, 2018), and was therefore a candidate for classification through an automated scoring system. Utilizing variant allele frequency, disease prevalence and penetrance estimates, and inheritance mode, an automated score was calculated to assess if this variant is too frequent to cause the disease. Based on the score and internal cut-off values, a variant classified as benign is not then subjected to further curation. The score for this variant resulted in a classification of benign for this disease.

Eurofins Ntd Llc (ga)
Classification: Benign. Last evaluated: 2016-04-14. Review status: criteria provided, single submitter. Criteria: EGL Classification Definitions 2015. Collection method: clinical testing. Allele origin: germline. Observed: 6 variant alleles, 3 heterozygotes, 3 homozygotes.

Breakthrough Genomics
Classification: Benign. Review status: criteria provided, single submitter. Criteria: ACMG Guidelines, 2015. Collection method: not provided. Allele origin: germline. Inheritance: Autosomal recessive inheritance. Affected: yes.

NM_001297.5(CNGB1):c.2218-12C>T

Gene: CNGB1 (cyclic nucleotide gated channel subunit beta 1; minus strand). Cytogenetic location: 16q21.
Variant type: single nucleotide variant.
Coding change: c.2218-12C>T on transcript NM_001297.5 (MANE Select); 12 bases into the intron before coding-DNA position 2218, C replaced by T.
Molecular consequence: intron variant.
Genome position (GRCh38, 1-based): chr16:57,915,347, G>A on the plus strand (C>T on the coding strand, the complement: CNGB1 is on the minus strand). VCF-style: chr16-57915347-G-A. GRCh37 (hg19) VCF-style: chr16-57949251-G-A.
Other names: c.2200-12C>T (NM_001286130.2).
Identifiers: ClinVar variation 93697 (VCV000093697.22), dbSNP rs483053, ClinGen allele CA147221.